The following is an entry in ClinVar:

NM_022765.4(MICAL1):c.2982-3C>T

Gene: MICAL1 (microtubule associated monooxygenase, calponin and LIM domain containing 1; minus strand). Cytogenetic location: 6q21.
Variant type: single nucleotide variant.
Coding change: c.2982-3C>T on transcript NM_022765.4 (MANE Select); 3 bases into the intron before coding-DNA position 2982, C replaced by T.
Molecular consequence: intron variant.
Genome position (GRCh38, 1-based): chr6:109,444,801, G>A on the plus strand (C>T on the coding strand, the complement: MICAL1 is on the minus strand). VCF-style: chr6-109444801-G-A. GRCh37 (hg19) VCF-style: chr6-109766004-G-A.
Other names: c.3039-3C>T (NM_001286613.2); c.2724-3C>T (NM_001159291.2).
Identifiers: ClinVar variation 3685213 (VCV003685213.3).
Genomic context (GRCh38, chr6:109,444,801, plus strand): 5'-GCCTCGTAGCTCCTGGTCCAGCTGCCACTGTTTCTCCTCCAGATTCAATTCCTGCACCCT[G>A]TGGAGGTCAGGGATTGTAGAAGCAGAGCTGTCTAAGGTGCCCAAGGGGCTGGAGCCTGGC-3'

ClinVar aggregate classification (germline): Uncertain significance (1 of 4 stars; one submission).

Submissions (2):

Labcorp Genetics (formerly Invitae), Labcorp
Classification: Uncertain significance. Last evaluated: 2025-01-31. Review status: criteria provided, single submitter. Criteria: Invitae Variant Classification Sherloc (09022015). Collection method: clinical testing. Allele origin: germline.
Comment: This sequence change falls in intron 23 of the MICAL1 gene. It does not directly change the encoded amino acid sequence of the MICAL1 protein. It affects a nucleotide within the consensus splice site. This variant is not present in population databases (gnomAD no frequency). This variant has not been reported in the literature in individuals affected with MICAL1-related conditions. Variants that disrupt the consensus splice site are a relatively common cause of aberrant splicing (PMID: 17576681, 9536098). Algorithms developed to predict the effect of sequence changes on RNA splicing suggest that this variant is not likely to affect RNA splicing. In summary, the available evidence is currently insufficient to determine the role of this variant in disease. Therefore, it has been classified as a Variant of Uncertain Significance.

Dr. Peter K. Rogan Lab, Western University
No classification provided (evidence only). Condition: Mesothelioma. Review status: no classification provided. Collection method: in vitro. Allele origin: not applicable. Functional consequence: retained intron. Not counted in ClinVar's aggregate classification.

Literature cited by the submitters: PubMed 17576681 (cited by Labcorp Genetics (formerly Invitae), Labcorp); PubMed 9536098 (cited by Labcorp Genetics (formerly Invitae), Labcorp).